The following is an entry in ClinVar:

ClinVar aggregate classification (germline): Conflicting classifications of pathogenicity. Review status: criteria provided, conflicting classifications (1 of 4 stars). 13 submissions from 13 submitters: Uncertain significance (1); Benign (9); Likely benign (2). 1 of the submissions does not count toward it. Last evaluated 2026-02-04.

Conditions:
Hypercholesterolemia, familial, 4 (FHCL4). Also called: HYPERCHOLESTEROLEMIA, AUTOSOMAL RECESSIVE, 1; HYPERCHOLESTEROLEMIA, AUTOSOMAL RECESSIVE, 2. Identifiers: Orphanet 391665, MedGen C1863512, MONDO:0011374, OMIM 603813.
Cardiovascular phenotype. Identifiers: MedGen CN230736.
Familial hypercholesterolemia. Also called: Familial hypercholesterolaemia; Familial hypercholesterolemias. Identifiers: MedGen C0020445, MONDO:0005439.

Allele frequency attached by ClinVar (database versions not stated): 1000 Genomes Project 30x 0.01593; 1000 Genomes Project 0.01597; TOPMed 0.03007; gnomAD 0.03155 and 0.03285; gnomAD exomes 0.03340 and 0.04341; ExAC 0.03564; ESP Exome Variant Server 0.03629.
gnomAD v4.1: 67,876 of 1,613,906 alleles (4.2%); highest among the groups gnomAD compares: Non-Finnish European, 5.1%; 1,745 homozygotes.

Submissions (13):

Labcorp Genetics (formerly Invitae), Labcorp
Classification: Benign for Hypercholesterolemia, familial, 4. Last evaluated: 2026-02-04. Review status: criteria provided, single submitter. Criteria: Invitae Variant Classification Sherloc (09022015). Collection method: clinical testing. Allele origin: germline.

Molecular Diagnostic Laboratory for Inherited Cardiovascular Disease, Montreal Heart Institute
Classification: Benign. Last evaluated: 2025-04-09. Review status: criteria provided, single submitter. Criteria: ACMG Guidelines, 2015. Collection method: clinical testing. Allele origin: germline. Affected: no.

Blueprint Genetics
Classification: Likely benign. Last evaluated: 2024-11-26. Review status: criteria provided, single submitter. Criteria: ACMG Guidelines, 2015. Collection method: clinical testing. Allele origin: germline.

GENinCode PLC
Classification: Benign for Hypercholesterolemia, familial, 4. Last evaluated: 2022-06-30. Review status: criteria provided, single submitter. Criteria: ACMG Guidelines, 2015. Collection method: clinical testing. Allele origin: germline.

Genome-Nilou Lab
Classification: Benign for Hypercholesterolemia, familial, 4. Last evaluated: 2021-06-10. Review status: criteria provided, single submitter. Criteria: ACMG Guidelines, 2015. Collection method: clinical testing. Allele origin: germline. Affected: no.

Mayo Clinic Laboratories, Mayo Clinic
Classification: Benign. Last evaluated: 2018-07-18. Review status: criteria provided, single submitter. Criteria: ACMG Guidelines, 2015. Collection method: clinical testing. Allele origin: germline. Observed: 119 variant alleles.

Ambry Genetics
Classification: Benign for Cardiovascular phenotype. Last evaluated: 2017-12-05. Review status: criteria provided, single submitter. Criteria: Ambry Variant Classification Scheme 2023. Collection method: clinical testing. Allele origin: germline.

Phosphorus, Inc.
Classification: Uncertain significance for Hypercholesterolemia, familial, 4. Last evaluated: 2017-08-01. Review status: criteria provided, single submitter. Criteria: ACMG Guidelines, 2015. Collection method: clinical testing. Allele origin: germline. Observed: 3 variant alleles.

Women's Health and Genetics/Laboratory Corporation of America, LabCorp
Classification: Benign. Last evaluated: 2017-06-02. Review status: criteria provided, single submitter. Criteria: LabCorp Variant Classification Summary - May 2015. Collection method: clinical testing. Allele origin: germline.
Comment: Variant summary: The LDLRAP1 c.712C>T (p.Arg238Trp) variant involves the alteration of a non-conserved nucleotide. 3/4 in silico tools predict a damaging outcome for this variant (SNPsandGO not captured due to low reliability index). This variant was found in 4281/120134 control chromosomes (112 homozygotes) at a frequency of 0.0356352, which is approximately 45 times the estimated maximal expected allele frequency of a pathogenic LDLRAP1 variant (0.0007906), suggesting this variant is likely a benign polymorphism. In addition, multiple clinical diagnostic laboratories/reputable databases classified this variant as benign/likely benign. Taken together, this variant is classified as benign.

Illumina Laboratory Services, Illumina
Classification: Likely benign for Hypercholesterolemia, familial, 4. Last evaluated: 2017-04-27. Review status: criteria provided, single submitter. Criteria: ICSL Variant Classification Criteria 13 December 2019. Collection method: clinical testing. Allele origin: germline.
Comment: This variant was observed as part of a predisposition screen in an ostensibly healthy population. A literature search was performed for the gene, cDNA change, and amino acid change (where applicable). Publications were found based on this search. The evidence from the literature, in combination with allele frequency data from public databases where available, was sufficient to determine this variant is unlikely to cause disease. Therefore, this variant is classified as likely benign.

GeneDx
Classification: Benign. Last evaluated: 2016-11-25. Review status: criteria provided, single submitter. Criteria: GeneDx Variant Classification (06012015). Collection method: clinical testing. Allele origin: germline. Affected: yes.
Comment: This variant is considered likely benign or benign based on one or more of the following criteria: it is a conservative change, it occurs at a poorly conserved position in the protein, it is predicted to be benign by multiple in silico algorithms, and/or has population frequency not consistent with disease.

Laboratory for Molecular Medicine, Mass General Brigham Personalized Medicine
Classification: Benign. Last evaluated: 2016-03-29. Review status: criteria provided, single submitter. Criteria: LMM Criteria. Collection method: clinical testing. Allele origin: germline.
Comment: Variant identified in a genome or exome case(s) and assessed due to predicted null impact of the variant or pathogenic assertions in the literature or databases. Disclaimer: This variant has not undergone full assessment. The following are preliminary notes: Frequency in ESP (all): 472/13006=3.6%

Natera, Inc.
Classification: Benign for Familial hypercholesterolemia. Last evaluated: 2020-09-16. Review status: no assertion criteria provided. Collection method: clinical testing. Allele origin: germline. Not counted in ClinVar's aggregate classification.

Literature cited by the submitters: PubMed 12464675 (cited by Phosphorus, Inc. and Illumina Laboratory Services, Illumina); PubMed 25647241 (cited by Phosphorus, Inc.).

NM_015627.3(LDLRAP1):c.712C>T (p.Arg238Trp)

Gene: LDLRAP1 (low density lipoprotein receptor adaptor protein 1; plus strand). Cytogenetic location: 1p36.11.
Variant type: single nucleotide variant.
Coding change: c.712C>T on transcript NM_015627.3 (MANE Select); coding-DNA position 712, C replaced by T.
Protein change: p.Arg238Trp; replaces arginine 238 with tryptophan.
Molecular consequence: missense variant.
Genome position (GRCh38, 1-based): chr1:25,563,756, C>T. VCF-style: chr1-25563756-C-T. GRCh37 (hg19) VCF-style: chr1-25890247-C-T.
Other names: short protein forms R238W.
Identifiers: ClinVar variation 296986 (VCV000296986.28), dbSNP rs41291058, ClinGen allele CA695698.